The following is an entry in ClinVar:

ClinVar aggregate classification (germline): Uncertain significance (1 of 4 stars; one submission).

Conditions:
Joubert syndrome. Also called: CEREBELLOPARENCHYMAL DISORDER IV; JOUBERT-BOLTSHAUSER SYNDROME; Familial aplasia of the vermis. Identifiers: Orphanet 475, MedGen C5979921, MONDO:0018772.
Meckel-Gruber syndrome. Also called: DYSENCEPHALIA SPLANCHNOCYSTICA; GRUBER SYNDROME; Dysencephalia splachnocystica. Identifiers: Orphanet 564, MedGen C0265215, MONDO:0018921.

Allele frequency attached by ClinVar (database versions not stated): TOPMed 0.00002.
gnomAD v4.1: 29 of 1,584,634 alleles (0.0018%); highest among the groups gnomAD compares: Non-Finnish European, 0.0023%; no homozygotes.

Submission:

Labcorp Genetics (formerly Invitae), Labcorp
Classification: Uncertain significance for Joubert syndrome; Meckel-Gruber syndrome. Last evaluated: 2020-12-26. Review status: criteria provided, single submitter. Criteria: Invitae Variant Classification Sherloc (09022015). Collection method: clinical testing. Allele origin: germline.
Comment: In summary, the available evidence is currently insufficient to determine the role of this variant in disease. Therefore, it has been classified as a Variant of Uncertain Significance. Algorithms developed to predict the effect of missense changes on protein structure and function output the following: SIFT: "Deleterious"; PolyPhen-2: "Not Available"; Align-GVGD: "Class C0". The phenylalanine amino acid residue is found in multiple mammalian species, suggesting that this missense change does not adversely affect protein function. These predictions have not been confirmed by published functional studies and their clinical significance is uncertain. This variant has not been reported in the literature in individuals with TCTN1-related conditions. The frequency data for this variant in the population databases is considered unreliable, as metrics indicate poor data quality at this position in the ExAC database. This sequence change replaces leucine with phenylalanine at codon 13 of the TCTN1 protein (p.Leu13Phe). The leucine residue is moderately conserved and there is a small physicochemical difference between leucine and phenylalanine.

NM_001082538.3(TCTN1):c.37C>T (p.Leu13Phe)

Gene: TCTN1 (tectonic family member 1; plus strand). Cytogenetic location: 12q24.11.
Variant type: single nucleotide variant.
Coding change: c.37C>T on transcript NM_001082538.3 (MANE Select); coding-DNA position 37, C replaced by T.
Protein change: p.Leu13Phe; replaces leucine 13 with phenylalanine.
Molecular consequence: missense variant. On other transcripts: 5 prime UTR variant (4), non-coding transcript variant (1).
Genome position (GRCh38, 1-based): chr12:110,614,219, C>T. VCF-style: chr12-110614219-C-T. GRCh37 (hg19) VCF-style: chr12-111052024-C-T.
Other names: c.37C>T, p.Leu13Phe (NM_001082537.3, NM_001319680.2, NM_024549.6); c.-193C>T (NM_001173975.3, NM_001319682.3); c.-220C>T (NM_001173976.2); c.-671C>T (NM_001319681.2); short protein forms L13F.
Identifiers: ClinVar variation 1428271 (VCV001428271.8), dbSNP rs762387258, ClinGen allele CA6786435.